The following is an entry in ClinVar:

ClinVar aggregate classification (germline): Likely pathogenic (1 of 4 stars; one submission).

Conditions:
Developmental and epileptic encephalopathy 94 (DEE94). Also called: CHD2-Related Neurodevelopmental Disorders; Epileptic encephalopathy, childhood-onset. Identifiers: Orphanet 1942, Orphanet 2382, MedGen C3809278, MONDO:0014150, OMIM 615369.

Submission:

Women's Health and Genetics/Laboratory Corporation of America, LabCorp
Classification: Likely pathogenic for Developmental and epileptic encephalopathy 94. Last evaluated: 2022-10-19. Review status: criteria provided, single submitter. Criteria: LabCorp Variant Classification Summary - May 2015. Collection method: clinical testing. Allele origin: germline.
Comment: Variant summary: CHD2 c.1154-1G>T is located in a canonical splice-site and is predicted to affect mRNA splicing resulting in a significantly altered protein due to either exon skipping, shortening, or inclusion of intronic material. Several computational tools predict a significant impact on normal splicing: Four predict the variant abolishes a canonical 3' acceptor site and two predict the variant creates a new 3' acceptor site downstream in exon 11. However, these predictions have yet to be confirmed by functional studies. The variant was absent in 227784 control chromosomes (gnomAD). To our knowledge, no occurrence of c.1154-1G>T in individuals affected with Developmental And Epileptic Encephalopathy and no experimental evidence demonstrating its impact on protein function have been reported. No clinical diagnostic laboratories have submitted clinical-significance assessments for this variant to ClinVar after 2014. Based on the evidence outlined above, the variant was classified as likely pathogenic.

NM_001271.4(CHD2):c.1154-1G>T

Gene: CHD2 (chromodomain helicase DNA binding protein 2; plus strand). Cytogenetic location: 15q26.1.
Variant type: single nucleotide variant.
Coding change: c.1154-1G>T on transcript NM_001271.4 (MANE Select); the canonical splice acceptor site of the intron before coding-DNA position 1154, G replaced by T.
Molecular consequence: splice acceptor variant.
Genome position (GRCh38, 1-based): chr15:92,945,820, G>T. VCF-style: chr15-92945820-G-T. GRCh37 (hg19) VCF-style: chr15-93489050-G-T.
Other names: c.1154-1G>T (NM_001042572.3).
Identifiers: ClinVar variation 1723348 (VCV001723348.1), dbSNP rs2505457447, ClinGen allele CA393903480.